The following is an entry in ClinVar:

ClinVar aggregate classification (germline): Benign/Likely benign. Review status: criteria provided, multiple submitters, no conflicts (2 of 4 stars). 3 submissions from 3 submitters: Benign (2); Likely benign (1). Last evaluated 2024-07-01.

Allele frequency attached by ClinVar (database versions not stated): TOPMed 0.00444; ESP Exome Variant Server 0.00515; 1000 Genomes Project 30x 0.00593; 1000 Genomes Project 0.00619; gnomAD exomes 0.00862 and 0.01002; gnomAD 0.00899 and 0.00916; ExAC 0.00941.
gnomAD v4.1: 13,847 of 1,614,124 alleles (0.86%); highest among the groups gnomAD compares: East Asian, 1.8%; 137 homozygotes.

Submissions (3):

CeGaT Center for Human Genetics Tuebingen
Classification: Likely benign. Last evaluated: 2024-07-01. Review status: criteria provided, single submitter. Criteria: CeGaT Center For Human Genetics Tuebingen Variant Classification Criteria Version 2. Collection method: clinical testing. Allele origin: germline. Affected: yes. Observed: 18 variant alleles.
Comment: NFASC: BS2

Labcorp Genetics (formerly Invitae), Labcorp
Classification: Benign. Last evaluated: 2018-08-22. Review status: criteria provided, single submitter. Criteria: Invitae Variant Classification Sherloc (09022015). Collection method: clinical testing. Allele origin: germline.

Breakthrough Genomics
Classification: Benign. Review status: criteria provided, single submitter. Criteria: ACMG Guidelines, 2015. Collection method: not provided. Allele origin: germline. Inheritance: Autosomal recessive inheritance. Affected: yes.

NM_001005388.3(NFASC):c.476C>T (p.Thr159Met)

Gene: NFASC (neurofascin; plus strand). Cytogenetic location: 1q32.1.
Variant type: single nucleotide variant.
Coding change: c.476C>T on transcript NM_001005388.3 (MANE Select); coding-DNA position 476, C replaced by T.
Protein change: p.Thr159Met; replaces threonine 159 with methionine.
Molecular consequence: missense variant. On other transcripts: non-coding transcript variant (1).
Genome position (GRCh38, 1-based): chr1:204,954,892, C>T. VCF-style: chr1-204954892-C-T. GRCh37 (hg19) VCF-style: chr1-204924020-C-T.
Other names: c.476C>T, p.Thr159Met (NM_001005389.2, NM_001378329.1); c.458C>T, p.Thr153Met (NM_001160331.2, NM_001160332.2, NM_001160333.2 and 4 more transcripts); short protein forms T159M, T153M.
Identifiers: ClinVar variation 709848 (VCV000709848.34), dbSNP rs3795564, ClinGen allele CA1349600.